The following is an entry in ClinVar:

NM_003024.3(ITSN1):c.2895C>G (p.Tyr965Ter)

Gene: ITSN1 (intersectin 1; plus strand). Cytogenetic location: 21q22.11.
Variant type: single nucleotide variant.
Coding change: c.2895C>G on transcript NM_003024.3 (MANE Select); coding-DNA position 2895, C replaced by G.
Protein change: p.Tyr965Ter; replaces tyrosine 965 with a stop codon.
Molecular consequence: nonsense.
Genome position (GRCh38, 1-based): chr21:33,818,434, C>G. VCF-style: chr21-33818434-C-G. GRCh37 (hg19) VCF-style: chr21-35190738-C-G.
Other names: c.2895C>G, p.Tyr965Ter (NM_001001132.2, NM_001331008.2); c.2880C>G, p.Tyr960Ter (NM_001331009.2, NM_001331010.2, NM_001331011.2); c.2769C>G, p.Tyr923Ter (NM_001331012.2); short protein forms Y923*, Y965*, Y960*.
Identifiers: ClinVar variation 2599271 (VCV002599271.3), dbSNP rs1421202562, ClinGen allele CA410145375.

ClinVar aggregate classification (germline): Uncertain significance (1 of 4 stars; one submission).

Conditions:
Inborn genetic diseases. Identifiers: MedGen C0950123, MeSH D030342.

gnomAD v4.1: 1 of 1,614,116 alleles (0.000062%); highest among the groups gnomAD compares: Non-Finnish European, 0.000085%; no homozygotes.

Submission:

Ambry Genetics
Classification: Uncertain significance for Inborn genetic diseases. Last evaluated: 2026-09-14. Review status: criteria provided, single submitter. Criteria: Ambry Variant Classification Scheme 2023. Collection method: clinical testing. Allele origin: germline.
Comment: The c.2895C>G (p.Y965*) alteration, located in exon 23 (coding exon 22) of the ITSN1 gene, consists of a C to G substitution at nucleotide position 2895. This changes the amino acid from a tyrosine (Y) to a stop codon at amino acid position 965. This alteration is expected to result in loss of function by premature protein truncation or nonsense-mediated mRNA decay. However, loss of function of ITSN1 has not been established as a mechanism of disease. This variant was not reported in population-based cohorts in the Genome Aggregation Database (gnomAD). Based on insufficient or conflicting evidence, the clinical significance of this alteration remains unclear.

Literature cited by the submitters: PubMed 34707297.